The following is an entry in ClinVar:

NM_000368.5(TSC1):c.917G>T (p.Cys306Phe)

Gene: TSC1 (TSC complex subunit 1; minus strand). Cytogenetic location: 9q34.13.
Variant type: single nucleotide variant.
Coding change: c.917G>T on transcript NM_000368.5 (MANE Select); coding-DNA position 917, G replaced by T.
Protein change: p.Cys306Phe; replaces cysteine 306 with phenylalanine.
Molecular consequence: missense variant.
Genome position (GRCh38, 1-based): chr9:132,911,565, C>A on the plus strand (G>T on the coding strand, the complement: TSC1 is on the minus strand). VCF-style: chr9-132911565-C-A. GRCh37 (hg19) VCF-style: chr9-135786952-C-A.
Other names: c.917G>T, p.Cys306Phe (NM_001162426.2, NM_001406592.1, NM_001406609.1 and 16 more transcripts); c.764G>T, p.Cys255Phe (NM_001162427.2, NM_001406610.1, NM_001406611.1 and 2 more transcripts); c.554G>T, p.Cys185Phe (NM_001362177.2, NM_001406614.1, NM_001406615.1 and 10 more transcripts); c.-177G>T (NM_001406629.1, NM_001406630.1); c.-35G>T (NM_001406626.1, NM_001406627.1, NM_001406628.1); short protein forms C185F, C255F, C306F.
Identifiers: ClinVar variation 1721544 (VCV001721544.5), dbSNP rs752290177, ClinGen allele CA375368755.

ClinVar aggregate classification (germline): Uncertain significance (1 of 4 stars; one submission).

Conditions:
Tuberous sclerosis 1 (TSC1). Identifiers: Orphanet 805, MedGen C1854465, MONDO:0008612, OMIM 191100.

Submission:

Labcorp Genetics (formerly Invitae), Labcorp
Classification: Uncertain significance for Tuberous sclerosis 1. Last evaluated: 2022-10-13. Review status: criteria provided, single submitter. Criteria: Invitae Variant Classification Sherloc (09022015). Collection method: clinical testing. Allele origin: germline.
Comment: This sequence change replaces cysteine, which is neutral and slightly polar, with phenylalanine, which is neutral and non-polar, at codon 306 of the TSC1 protein (p.Cys306Phe). This variant is not present in population databases (gnomAD no frequency). This variant has not been reported in the literature in individuals affected with TSC1-related conditions. Advanced modeling of protein sequence and biophysical properties (such as structural, functional, and spatial information, amino acid conservation, physicochemical variation, residue mobility, and thermodynamic stability) performed at Invitae indicates that this missense variant is not expected to disrupt TSC1 protein function. In summary, the available evidence is currently insufficient to determine the role of this variant in disease. Therefore, it has been classified as a Variant of Uncertain Significance.